The following is an entry in ClinVar:

NM_139276.3(STAT3):c.1203dup (p.Gly402fs)

Gene: STAT3 (signal transducer and activator of transcription 3; minus strand). Cytogenetic location: 17q21.2.
Variant type: Duplication.
Coding change: c.1203dup on transcript NM_139276.3 (MANE Select); coding-DNA position 1203, one base duplicated (C; older notation c.1203dupC).
Protein change: p.Gly402fs; shifts the reading frame from glycine 402.
Molecular consequence: frameshift variant.
Genome position (GRCh38, 1-based): chr17:42,329,584, G duplicated on the plus strand (C on the coding strand, the reverse complement: STAT3 is on the minus strand). VCF-style (leftmost placement, unchanged base first): chr17-42329583-C-CG. GRCh37 (hg19) VCF-style: chr17-40481601-C-CG.
Other names: c.1203dupC (NM_139276.2); c.1203dup, p.Gly402fs (NM_001369512.1, NM_001369513.1, NM_001369514.1 and 12 more transcripts); c.1125dup, p.Gly376fs (NM_001384985.1); c.1218dup, p.Gly407fs (NM_001384986.1, NM_001384990.1); c.1107dup, p.Gly370fs (NM_001384989.1); c.1143dup, p.Gly382fs (NM_001384992.1); short protein forms G376fs, G370fs, G407fs, G382fs, G402fs.
Identifiers: ClinVar variation 4991128 (VCV004991128.1).
Genomic context (GRCh38, chr17:42,329,583, plus strand): 5'-CCCTTTGTGAAGGGGAGCTCCTCCCACATACCAAGTGTTTGAATTCTGCAGAGAGGCTGC[C>CG]GTTGTTGGATTCTTCCATGTTCATCACTTTTGTGTTTGTGCCCAGAATGTTAAATTTCCG-3'

ClinVar aggregate classification (germline): Likely pathogenic (1 of 4 stars; one submission).

Conditions:
STAT3-related disorder. Also called: STAT3-related condition.

Submission:

PreventionGenetics, part of Exact Sciences
Classification: Likely pathogenic for STAT3-related condition. Last evaluated: 2026-01-03. Review status: criteria provided, single submitter. Criteria: ACMG Guidelines, 2015. Collection method: clinical testing. Allele origin: germline.
Comment: The STAT3 c.1203dupC variant is predicted to result in a frameshift and premature protein termination (p.Gly402Argfs*26). To our knowledge, this variant has not been reported in the literature or in a large population database (gnomAD), indicating this variant is rare. Frameshift variants in STAT3 are expected to be pathogenic. This variant is interpreted as likely pathogenic.